The following is an entry in ClinVar:

NM_006904.7(PRKDC):c.7657C>T (p.His2553Tyr)

Gene: PRKDC (protein kinase, DNA-activated, catalytic subunit; minus strand). Cytogenetic location: 8q11.21.
Variant type: single nucleotide variant.
Coding change: c.7657C>T on transcript NM_006904.7 (MANE Select); coding-DNA position 7657, C replaced by T.
Protein change: p.His2553Tyr; replaces histidine 2553 with tyrosine.
Molecular consequence: missense variant.
Genome position (GRCh38, 1-based): chr8:47,837,316, G>A on the plus strand (C>T on the coding strand, the complement: PRKDC is on the minus strand). VCF-style: chr8-47837316-G-A. GRCh37 (hg19) VCF-style: chr8-48749877-G-A.
Other names: c.7657C>T, p.His2553Tyr (NM_001081640.2); short protein forms H2553Y.
Identifiers: ClinVar variation 3250785 (VCV003250785.18), dbSNP rs762274433.
Genomic context (GRCh38, chr8:47,837,316, plus strand): 5'-GATAATCTGGGCTCATGCTGGTCATTTCGAGCAGAAAATTTGTTGCTAAACTTAAAAAGT[G>A]CACTTCTATCTTAGGAGAATATAAGGAATTTAGTGCCAGCAACCGGTCCAAGGTATTTGA-3'
Protein context (NP_008835.5, residues 2543-2563): NSLYSPKIEV[His2553Tyr]FLSLATNFLL

ClinVar aggregate classification (germline): Uncertain significance (1 of 4 stars; one submission).

Submission:

CeGaT Center for Human Genetics Tuebingen
Classification: Uncertain significance. Last evaluated: 2024-06-01. Review status: criteria provided, single submitter. Criteria: CeGaT Center For Human Genetics Tuebingen Variant Classification Criteria Version 2. Collection method: clinical testing. Allele origin: germline. Affected: yes. Observed: 1 variant allele.
Comment: PRKDC: PM2, BP4